The following is an entry in ClinVar:

NM_001393504.1(MAST3):c.1876A>G (p.Ile626Val)

Gene: MAST3 (microtubule associated serine/threonine kinase 3; plus strand). Cytogenetic location: 19p13.11.
Variant type: single nucleotide variant.
Coding change: c.1876A>G on transcript NM_001393504.1 (MANE Select); coding-DNA position 1876, A replaced by G.
Protein change: p.Ile626Val; replaces isoleucine 626 with valine.
Molecular consequence: missense variant.
Genome position (GRCh38, 1-based): chr19:18,135,745, A>G. VCF-style: chr19-18135745-A-G. GRCh37 (hg19) VCF-style: chr19-18246555-A-G.
Other names: c.1900A>G, p.Ile634Val (NM_001393501.1); c.1879A>G, p.Ile627Val (NM_001393502.1); c.1876A>G, p.Ile626Val (NM_001393503.1); c.1873A>G, p.Ile625Val (NM_001393505.1); c.1828A>G, p.Ile610Val (NM_001393506.1, NM_001393513.1); c.1855A>G, p.Ile619Val (NM_001393507.1); c.1810A>G, p.Ile604Val (NM_001393508.1, NM_001393516.1); c.1807A>G, p.Ile603Val (NM_001393509.1, NM_001393510.1, NM_001393512.1 and 2 more transcripts); and 4 more; short protein forms I588V, I596V, I597V, I602V, I603V, I604V, I610V, I619V.
Identifiers: ClinVar variation 3731476 (VCV003731476.1).
Genomic context (GRCh38, chr19:18,135,745, plus strand): 5'-GGGGTACCCTGCCTTCTCCCTCCCTCCCTCATTTTACCTCCCTCCCTCATTTTAGATGAG[A>G]TCATGTGGCCAGAGGGAGATGAGGCCCTTCCAGCAGACGCCCAGGACCTCATCACCAGGT-3'
Protein context (NP_001380433.1, residues 616-636): ELFGQVVSDE[Ile626Val]MWPEGDEALP

ClinVar aggregate classification (germline): Uncertain significance (1 of 4 stars; one submission).

Conditions:
Developmental and epileptic encephalopathy 108 (DEE108). Identifiers: MedGen C5774253, MONDO:0859314, OMIM 620115.

Submission:

Neuberg Centre For Genomic Medicine, NCGM
Classification: Uncertain significance for Developmental and epileptic encephalopathy 108. Last evaluated: 2023-06-22. Review status: criteria provided, single submitter. Criteria: ACMG Guidelines, 2015. Collection method: clinical testing. Allele origin: germline. Inheritance: Autosomal dominant inheritance. Affected: yes.
Comment: The missense c.1789A>G(p.Ile597Val) variant in MAST3 gene has not been reported previously as a pathogenic variant nor as a benign variant, to our knowledge. The p.Ile597Val variant is absent in gnomAD Exomes. This variant has not been submitted to the ClinVar database. Computational evidence (Polyphen - Benign, SIFT - damaging and MutationTaster -Disease causing) predicts conflicting evidence on protein structure and function for this variant. The reference amino acid at this position in MAST3 is predicted as conserved by GERP++ and PhyloP across 100 vertebrates. The amino acid Ile at position 597 is changed to a Val changing protein sequence and it might alter its composition and physico-chemical properties. For these reasons, this variant has been classified as Variant of Uncertain Significance (VUS).